The following is an entry in ClinVar:

NM_178860.5(SEZ6):c.385G>A (p.Val129Ile)

Gene: SEZ6 (seizure related 6 homolog; minus strand). Cytogenetic location: 17q11.2.
Variant type: single nucleotide variant.
Coding change: c.385G>A on transcript NM_178860.5 (MANE Select); coding-DNA position 385, G replaced by A.
Protein change: p.Val129Ile; replaces valine 129 with isoleucine.
Molecular consequence: missense variant.
Genome position (GRCh38, 1-based): chr17:28,981,710, C>T on the plus strand (G>A on the coding strand, the complement: SEZ6 is on the minus strand). VCF-style: chr17-28981710-C-T. GRCh37 (hg19) VCF-style: chr17-27308728-C-T.
Other names: c.385G>A, p.Val129Ile (NM_001098635.2); c.10G>A, p.Val4Ile (NM_001290202.2); short protein forms V129I, V4I.
Identifiers: ClinVar variation 3794703 (VCV003794703.2).
Genomic context (GRCh38, chr17:28,981,710, plus strand): 5'-GCATAGGGGACTCTGACTCCGGACTCCAGGGTCCCTCCTTGGACTGGGGCTGAGTGGGTA[C>T]CGCAGCCATGGCTGGAGTGGGGCTGGTAAAGACAGGGCGGCTGTCCTGGTTGGCCAGGCG-3'
Protein context (NP_849191.3, residues 119-139): FTSPTPAMAA[Val129Ile]PTQPQSKEGP

ClinVar aggregate classification (germline): Uncertain significance. Review status: criteria provided, multiple submitters, no conflicts (2 of 4 stars). 2 submissions from 2 submitters: Uncertain significance (2). Last evaluated 2025-09-22.

Conditions:
SEZ6-related condition.

Submissions (2):

PreventionGenetics, part of Exact Sciences
Classification: Uncertain significance for SEZ6-related condition. Last evaluated: 2025-09-22. Review status: criteria provided, single submitter. Criteria: ACMG Guidelines, 2015. Collection method: clinical testing. Allele origin: germline.
Comment: The SEZ6 c.385G>A variant is predicted to result in the amino acid substitution p.Val129Ile. To our knowledge, this variant has not been reported in the literature. This variant is reported in 0.012% of alleles in individuals of Latino descent in gnomAD. At this time, the clinical significance of this variant is uncertain due to the absence of conclusive functional and genetic evidence.

Ambry Genetics
Classification: Uncertain significance. Last evaluated: 2025-02-07. Review status: criteria provided, single submitter. Criteria: Ambry Variant Classification Scheme 2023. Collection method: clinical testing. Allele origin: germline.